The following is an entry in ClinVar:

ClinVar aggregate classification (germline): Uncertain significance (1 of 4 stars; one submission).

gnomAD v4.1: 4 of 1,614,040 alleles (0.00025%); highest among the groups gnomAD compares: East Asian, 0.0045%; no homozygotes.

Submission:

Labcorp Genetics (formerly Invitae), Labcorp
Classification: Uncertain significance. Last evaluated: 2025-04-08. Review status: criteria provided, single submitter. Criteria: Invitae Variant Classification Sherloc (09022015). Collection method: clinical testing. Allele origin: germline.
Comment: This sequence change replaces arginine, which is basic and polar, with glutamine, which is neutral and polar, at codon 587 of the AHDC1 protein (p.Arg587Gln). This variant is present in population databases (no rsID available, gnomAD 0.006%). This variant has not been reported in the literature in individuals affected with AHDC1-related conditions. An algorithm developed to predict the effect of missense changes on protein structure and function (PolyPhen-2) suggests that this variant is likely to be tolerated. In summary, the available evidence is currently insufficient to determine the role of this variant in disease. Therefore, it has been classified as a Variant of Uncertain Significance.

NM_001371928.1(AHDC1):c.1760G>A (p.Arg587Gln)

Gene: AHDC1 (AT-hook DNA binding motif containing 1; minus strand). Cytogenetic location: 1p36.11.
Variant type: single nucleotide variant.
Coding change: c.1760G>A on transcript NM_001371928.1 (MANE Select); coding-DNA position 1760, G replaced by A.
Protein change: p.Arg587Gln; replaces arginine 587 with glutamine.
Molecular consequence: missense variant.
Genome position (GRCh38, 1-based): chr1:27,550,356, C>T on the plus strand (G>A on the coding strand, the complement: AHDC1 is on the minus strand). VCF-style: chr1-27550356-C-T. GRCh37 (hg19) VCF-style: chr1-27876867-C-T.
Other names: c.1760G>A, p.Arg587Gln (NM_001029882.3); short protein forms R587Q.
Identifiers: ClinVar variation 4806240 (VCV004806240.1).